The following is an entry in ClinVar:

NM_201253.3(CRB1):c.2636T>C (p.Val879Ala)

Gene: CRB1 (crumbs cell polarity complex component 1; plus strand). Cytogenetic location: 1q31.3.
Variant type: single nucleotide variant.
Coding change: c.2636T>C on transcript NM_201253.3 (MANE Select); coding-DNA position 2636, T replaced by C.
Protein change: p.Val879Ala; replaces valine 879 with alanine.
Molecular consequence: missense variant. On other transcripts: non-coding transcript variant (2), intron variant (1).
Genome position (GRCh38, 1-based): chr1:197,427,961, T>C. VCF-style: chr1-197427961-T-C. GRCh37 (hg19) VCF-style: chr1-197397091-T-C.
Other names: c.2300T>C, p.Val767Ala (NM_001193640.2); c.2429T>C, p.Val810Ala (NM_001257965.2); c.2128+6005T>C (NM_001257966.2); short protein forms V879A, V767A, V810A.
Identifiers: ClinVar variation 876424 (VCV000876424.8), dbSNP rs772386967, ClinGen allele CA1312152.

ClinVar aggregate classification (germline): Uncertain significance. Review status: criteria provided, multiple submitters, no conflicts (2 of 4 stars). 9 submissions from 5 submitters: Uncertain significance (8). 1 of the submissions does not count toward it. Last evaluated 2023-04-11.

Conditions:
Leber congenital amaurosis 8 (LCA8). Identifiers: Orphanet 65, MedGen C3151202, MONDO:0013453, OMIM 613835.
Retinitis pigmentosa 12 (RP12). Also called: RP WITH OR WITHOUT PPRPE; RP WITH OR WITHOUT PRESERVED PARAARTERIOLE RETINAL PIGMENT EPITHELIUM; RETINITIS PIGMENTOSA WITH OR WITHOUT PARAARTERIOLAR PRESERVATION OF RETINAL PIGMENT EPITHELIUM. Identifiers: Orphanet 791, MedGen C1838647, MONDO:0010818, OMIM 600105.
Retinal dystrophy. Also called: Inherited retinal dystrophy. Identifiers: Orphanet 71862, MedGen C0854723, MeSH D058499, MONDO:0019118, HP:0000556.
Retinitis pigmentosa (RP). Identifiers: Orphanet 791, MedGen C0035334, MeSH D012174, MONDO:0019200, OMIM 268000. Inheritance: Autosomal dominant, autosomal recessive and X linked inheritance.
Pigmented paravenous retinochoroidal atrophy. Identifiers: Orphanet 251295, MedGen C1868310, MONDO:0008246, OMIM 172870.

Allele frequency attached by ClinVar (database versions not stated): gnomAD 0.00001; gnomAD exomes 0.00001 and 0.00002; ExAC 0.00003.
gnomAD v4.1: 20 of 1,613,838 alleles (0.0012%); highest among the groups gnomAD compares: Non-Finnish European, 0.0017%; no homozygotes.

Submissions (9):

Blueprint Genetics
Classification: Uncertain significance. Last evaluated: 2023-04-11. Review status: criteria provided, single submitter. Criteria: ACMG Guidelines, 2015. Collection method: clinical testing. Allele origin: germline.

Genome-Nilou Lab
Classification: Uncertain significance for Leber congenital amaurosis 8. Last evaluated: 2023-04-11. Review status: criteria provided, single submitter. Criteria: ACMG Guidelines, 2015. Collection method: clinical testing. Allele origin: germline. Affected: no.

Genome-Nilou Lab
Classification: Uncertain significance for Pigmented paravenous retinochoroidal atrophy. Last evaluated: 2023-04-11. Review status: criteria provided, single submitter. Criteria: ACMG Guidelines, 2015. Collection method: clinical testing. Allele origin: germline. Affected: no.

Genome-Nilou Lab
Classification: Uncertain significance for Retinitis pigmentosa 12. Last evaluated: 2023-04-11. Review status: criteria provided, single submitter. Criteria: ACMG Guidelines, 2015. Collection method: clinical testing. Allele origin: germline. Affected: no.

Labcorp Genetics (formerly Invitae), Labcorp
Classification: Uncertain significance for Leber congenital amaurosis 8; Retinitis pigmentosa 12. Last evaluated: 2022-07-04. Review status: criteria provided, single submitter. Criteria: Invitae Variant Classification Sherloc (09022015). Collection method: clinical testing. Allele origin: germline.
Comment: This sequence change replaces valine, which is neutral and non-polar, with alanine, which is neutral and non-polar, at codon 879 of the CRB1 protein (p.Val879Ala). This variant is present in population databases (rs772386967, gnomAD 0.005%). This variant has not been reported in the literature in individuals affected with CRB1-related conditions. ClinVar contains an entry for this variant (Variation ID: 876424). Advanced modeling of protein sequence and biophysical properties (such as structural, functional, and spatial information, amino acid conservation, physicochemical variation, residue mobility, and thermodynamic stability) performed at Invitae indicates that this missense variant is not expected to disrupt CRB1 protein function. In summary, the available evidence is currently insufficient to determine the role of this variant in disease. Therefore, it has been classified as a Variant of Uncertain Significance.

Illumina Laboratory Services, Illumina
Classification: Uncertain significance for Leber congenital amaurosis 8. Last evaluated: 2018-03-16. Review status: criteria provided, single submitter. Criteria: ICSL Variant Classification Criteria 13 December 2019. Collection method: clinical testing. Allele origin: germline.

Illumina Laboratory Services, Illumina
Classification: Uncertain significance for Retinitis pigmentosa. Last evaluated: 2018-03-16. Review status: criteria provided, single submitter. Criteria: ICSL Variant Classification Criteria 13 December 2019. Collection method: clinical testing. Allele origin: germline.

Illumina Laboratory Services, Illumina
Classification: Uncertain significance for Pigmented paravenous retinochoroidal atrophy. Last evaluated: 2018-03-16. Review status: criteria provided, single submitter. Criteria: ICSL Variant Classification Criteria 13 December 2019. Collection method: clinical testing. Allele origin: germline.

Institute of Human Genetics, Univ. Regensburg, Univ. Regensburg
Classification: Uncertain significance for Retinal dystrophy. Last evaluated: 2018-01-01. Review status: no assertion criteria provided. Criteria: ACMG Guidelines, 2015. Collection method: clinical testing. Allele origin: germline. Affected: yes. Not counted in ClinVar's aggregate classification.